The following is an entry in ClinVar:

ClinVar aggregate classification (germline): Pathogenic. Review status: criteria provided, single submitter (1 of 4 stars). 2 submissions from 2 submitters: Pathogenic (1). 1 of the submissions does not count toward it. Last evaluated 2023-02-13.

Conditions:
COL9A1-related disorder. Also called: COL9A1-related disorders; COL9A1-related condition.

Submissions (2):

Labcorp Genetics (formerly Invitae), Labcorp
Classification: Pathogenic. Last evaluated: 2023-02-13. Review status: criteria provided, single submitter. Criteria: Invitae Variant Classification Sherloc (09022015). Collection method: clinical testing. Allele origin: germline.
Comment: This sequence change creates a premature translational stop signal (p.Thr789Hisfs*34) in the COL9A1 gene. It is expected to result in an absent or disrupted protein product. Loss-of-function variants in COL9A1 are known to be pathogenic (PMID: 16909383, 21421862). For these reasons, this variant has been classified as Pathogenic. ClinVar contains an entry for this variant (Variation ID: 1324154). This variant has not been reported in the literature in individuals affected with COL9A1-related conditions. This variant is not present in population databases (gnomAD no frequency).

PreventionGenetics, part of Exact Sciences
Classification: Likely pathogenic for COL9A1-related condition. Last evaluated: 2024-08-27. Review status: no assertion criteria provided. Collection method: clinical testing. Allele origin: germline. Not counted in ClinVar's aggregate classification.
Comment: The COL9A1 c.2364dupC variant is predicted to result in a frameshift and premature protein termination (p.Thr789Hisfs*34). This variant has not been reported in the literature or in a large population database, indicating this variant is rare. Loss-of-function variants in COL9A1, like this frameshift change, are expected to be pathogenic typically for autosomal recessive phenotypes. This variant is interpreted as likely pathogenic.

Literature cited by the submitters: PubMed 16909383 (cited by Labcorp Genetics (formerly Invitae), Labcorp); PubMed 21421862 (cited by Labcorp Genetics (formerly Invitae), Labcorp).

NM_001851.6(COL9A1):c.2364dup (p.Thr789fs)

Gene: COL9A1 (collagen type IX alpha 1 chain; minus strand). Cytogenetic location: 6q13.
Variant type: Duplication.
Coding change: c.2364dup on transcript NM_001851.6 (MANE Select); coding-DNA position 2364, one base duplicated (C; older notation c.2364dupC).
Protein change: p.Thr789fs; shifts the reading frame from threonine 789.
Molecular consequence: frameshift variant. On other transcripts: non-coding transcript variant (1).
Genome position (GRCh38, 1-based): chr6:70,232,722, G duplicated on the plus strand (C on the coding strand, the reverse complement: COL9A1 is on the minus strand); the first of 2 consecutive G bases (chr6:70,232,722-70,232,723); duplicating either gives the same sequence. VCF-style (leftmost placement, unchanged base first): chr6-70232721-T-TG. GRCh37 (hg19) VCF-style: chr6-70942424-T-TG.
Other names: c.1665dup, p.Thr556fs (NM_001377289.1); c.1488dup, p.Thr497fs (NM_001377290.1); c.1635dup, p.Thr546fs (NM_078485.4); c.2364dupC (NM_001851.4); short protein forms T497fs, T546fs, T556fs, T789fs.
Identifiers: ClinVar variation 2803651 (VCV002803651.4), dbSNP rs2127557714, ClinGen allele CA2573052728.